The following is an entry in ClinVar:

NM_001291303.3(FAT4):c.4803T>G (p.Val1601=)

Gene: FAT4 (FAT atypical cadherin 4; plus strand). Cytogenetic location: 4q28.1.
Variant type: single nucleotide variant.
Coding change: c.4803T>G on transcript NM_001291303.3 (MANE Select); coding-DNA position 4803, T replaced by G.
Protein change: p.Val1601=; no amino-acid change (valine 1601 retained).
Molecular consequence: synonymous variant.
Genome position (GRCh38, 1-based): chr4:125,321,214, T>G. VCF-style: chr4-125321214-T-G. GRCh37 (hg19) VCF-style: chr4-126242369-T-G.
Other names: c.4803T>G, p.Val1601= (NM_001291285.3, NM_024582.6).
Identifiers: ClinVar variation 3352638 (VCV003352638.1).

ClinVar aggregate classification (germline): Likely benign (0 of 4 stars; one submission).

Conditions:
FAT4-related disorder. Also called: FAT4-related condition.

gnomAD v4.1: 6 of 1,614,154 alleles (0.00037%); highest among the groups gnomAD compares: Middle Eastern, 0.016%; no homozygotes.

Submission:

PreventionGenetics, part of Exact Sciences
Classification: Likely benign for FAT4-related condition. Last evaluated: 2019-05-09. Review status: no assertion criteria provided. Collection method: clinical testing. Allele origin: germline.
Comment: This variant is classified as likely benign based on ACMG/AMP sequence variant interpretation guidelines (Richards et al. 2015 PMID: 25741868, with internal and published modifications).